The following is an entry in ClinVar:

ClinVar aggregate classification (germline): Likely benign (1 of 4 stars; one submission).

Allele frequency attached by ClinVar (database versions not stated): gnomAD exomes below 0.00001; TOPMed below 0.00001; ExAC 0.00001.
gnomAD v4.1: 6 of 1,608,370 alleles (0.00037%); highest among the groups gnomAD compares: East Asian, 0.013%; no homozygotes.

Submission:

CeGaT Center for Human Genetics Tuebingen
Classification: Likely benign. Last evaluated: 2024-03-01. Review status: criteria provided, single submitter. Criteria: CeGaT Center For Human Genetics Tuebingen Variant Classification Criteria Version 2. Collection method: clinical testing. Allele origin: germline. Affected: yes. Observed: 1 variant allele.
Comment: SEMA4D: BP4, BP7

NM_001371194.2(SEMA4D):c.1575C>A (p.Pro525=)

Gene: SEMA4D (semaphorin 4D; minus strand). Cytogenetic location: 9q22.2.
Variant type: single nucleotide variant.
Coding change: c.1575C>A on transcript NM_001371194.2 (MANE Select); coding-DNA position 1575, C replaced by A.
Protein change: p.Pro525=; no amino-acid change (proline 525 retained).
Molecular consequence: synonymous variant.
Genome position (GRCh38, 1-based): chr9:89,381,218, G>T on the plus strand (C>A on the coding strand, the complement: SEMA4D is on the minus strand). VCF-style: chr9-89381218-G-T. GRCh37 (hg19) VCF-style: chr9-91996133-G-T.
Other names: c.1575C>A, p.Pro525= (NM_001142287.2, NM_001371195.1, NM_001371196.1 and 7 more transcripts).
Identifiers: ClinVar variation 3067585 (VCV003067585.21), dbSNP rs746191711, ClinGen allele CA5118322.